The following is an entry in ClinVar:

NM_007294.4(BRCA1):c.2975C>T (p.Thr992Ile)

Gene: BRCA1 (BRCA1 DNA repair associated; minus strand). Cytogenetic location: 17q21.31.
Variant type: single nucleotide variant.
Coding change: c.2975C>T on transcript NM_007294.4 (MANE Select); coding-DNA position 2975, C replaced by T.
Protein change: p.Thr992Ile; replaces threonine 992 with isoleucine.
Molecular consequence: missense variant. On other transcripts: intron variant (137).
Genome position (GRCh38, 1-based): chr17:43,092,556, G>A on the plus strand (C>T on the coding strand, the complement: BRCA1 is on the minus strand). VCF-style: chr17-43092556-G-A. GRCh37 (hg19) VCF-style: chr17-41244573-G-A.
Other names: c.2762C>T, p.Thr921Ile (NM_001407571.1, NM_001407853.1, NM_001407894.1 and 9 more transcripts); c.2975C>T, p.Thr992Ile (NM_001407581.1, NM_001407582.1, NM_001407583.1 and 30 more transcripts); c.2972C>T, p.Thr991Ile (NM_001407587.1, NM_001407590.1, NM_001407591.1 and 22 more transcripts); c.2966C>T, p.Thr989Ile (NM_001407646.1, NM_001407647.1); c.2852C>T, p.Thr951Ile (NM_001407648.1, NM_001407664.1, NM_001407665.1 and 19 more transcripts); c.2849C>T, p.Thr950Ile (NM_001407649.1, NM_001407670.1, NM_001407671.1 and 11 more transcripts); c.2897C>T, p.Thr966Ile (NM_001407653.1, NM_001407654.1, NM_001407655.1 and 4 more transcripts); c.2894C>T, p.Thr965Ile (NM_001407659.1, NM_001407660.1, NM_001407661.1 and 1 more transcripts); and 41 more; short protein forms T880I, T925I, T965I, T989I, T864I, T865I, T881I, T904I.
Identifiers: ClinVar variation 2105545 (VCV002105545.6), dbSNP rs2552178911, ClinGen allele CA10596048.
Genomic context (GRCh38, chr17:43,092,556, plus strand): 5'-CTTTCAGGTGACATTGAATGTTCCTCAAAGTTTTCCTCTAGCAGATTTTTCTTACATTTA[G>A]TTTTAACAAATGACTTGATGGGAAAAAGTGGTGGTATACGATATGGGTTTTGTAAAAGTC-3'
Protein context (NP_009225.1, residues 982-1002): PLFPIKSFVK[Thr992Ile]KCKKNLLEEN

ClinVar aggregate classification (germline): Conflicting classifications of pathogenicity. Review status: criteria provided, conflicting classifications (1 of 4 stars). 2 submissions from 2 submitters: Uncertain significance (1); Likely benign (1). Last evaluated 2025-11-03.

Conditions:
Hereditary cancer-predisposing syndrome. Also called: Hereditary Cancer Syndrome; Tumor predisposition; Neoplastic Syndromes, Hereditary; Hereditary neoplastic syndrome. Identifiers: Orphanet 140162, MedGen C0027672, MeSH D009386, MONDO:0015356.
Hereditary breast ovarian cancer syndrome. Also called: Hereditary breast and ovarian cancer; Hereditary breast and ovarian cancer syndrome; Breast and ovarian cancer; BRCA1- and BRCA2-Associated Hereditary Breast and Ovarian Cancer; Hereditary breast and/or ovarian cancer syndrome; Hereditary breast and ovarian cancer syndrome (HBOC). Identifiers: Orphanet 145, MedGen C0677776, MeSH D061325, MONDO:0003582. Disease mechanism: loss of function.

Submissions (2):

Labcorp Genetics (formerly Invitae), Labcorp
Classification: Uncertain significance for Hereditary breast ovarian cancer syndrome. Last evaluated: 2025-11-03. Review status: criteria provided, single submitter. Criteria: Invitae Variant Classification Sherloc (09022015). Collection method: clinical testing. Allele origin: germline.
Comment: This sequence change replaces threonine, which is neutral and polar, with isoleucine, which is neutral and non-polar, at codon 992 of the BRCA1 protein (p.Thr992Ile). This variant is not present in population databases (gnomAD no frequency). This variant has not been reported in the literature in individuals affected with BRCA1-related conditions. ClinVar contains an entry for this variant (Variation ID: 2105545). Invitae Evidence Modeling of protein sequence and biophysical properties (such as structural, functional, and spatial information, amino acid conservation, physicochemical variation, residue mobility, and thermodynamic stability) indicates that this missense variant is not expected to disrupt BRCA1 protein function with a negative predictive value of 80%. In summary, the available evidence is currently insufficient to determine the role of this variant in disease. Therefore, it has been classified as a Variant of Uncertain Significance.

University of Washington Department of Laboratory Medicine, University of Washington
Classification: Likely benign for Hereditary cancer-predisposing syndrome. Last evaluated: 2023-03-23. Review status: criteria provided, single submitter. Criteria: Dines et al. (Genet Med. 2020). Collection method: curation. Allele origin: germline.
Comment: Missense variant in a coldspot region where missense variants are very unlikely to be pathogenic (PMID:31911673).

BRCA1 coldspot (exon 11 using historical exon numbering). Reclassification based on statistical prior probability